The following is an entry in ClinVar:

ClinVar aggregate classification (germline): Likely pathogenic (1 of 4 stars; one submission).

Submission:

Labcorp Genetics (formerly Invitae), Labcorp
Classification: Likely pathogenic. Last evaluated: 2024-07-12. Review status: criteria provided, single submitter. Criteria: Invitae Variant Classification Sherloc (09022015). Collection method: clinical testing. Allele origin: germline.
Comment: This variant results in the deletion of part of exon 19 (c.1670-3_1675del) of the CLCN7 gene. It is expected to disrupt RNA splicing. Variants that disrupt the donor or acceptor splice site typically lead to a loss of protein function (PMID: 16199547), and loss-of-function variants in CLCN7 are known to be pathogenic (PMID: 14584882, 19953639). This variant is not present in population databases (gnomAD no frequency). This variant has not been reported in the literature in individuals affected with CLCN7-related conditions. In summary, the currently available evidence indicates that the variant is pathogenic, but additional data are needed to prove that conclusively. Therefore, this variant has been classified as Likely Pathogenic.

Literature cited by the submitters: PubMed 16199547; PubMed 14584882; PubMed 19953639.

NM_001287.6(CLCN7):c.1670-3_1675del

Gene: CLCN7 (chloride voltage-gated channel 7; minus strand). Cytogenetic location: 16p13.3.
Variant type: Deletion.
Coding change: c.1670-3_1675del on transcript NM_001287.6 (MANE Select); 3 bases into the intron before coding-DNA position 1670 through coding-DNA position 1675, 9 bases deleted (CAGGCGGGA; older notation c.1670-3_1675delCAGGCGGGA).
Molecular consequence: splice acceptor variant.
Genome position (GRCh38, 1-based): chr16:1,449,088-1,449,096, TCCCGCCTG deleted on the plus strand (CAGGCGGGA on the coding strand, the reverse complement: CLCN7 is on the minus strand). VCF-style (leftmost placement, unchanged base first): chr16-1449087-ATCCCGCCTG-A. GRCh37 (hg19) VCF-style: chr16-1499088-ATCCCGCCTG-A.
Other names: c.1598-3_1603del (NM_001114331.3).
Identifiers: ClinVar variation 3659373 (VCV003659373.2).